The following is an entry in ClinVar:

NM_004667.6(HERC2):c.4352-1G>A

Gene: HERC2 (HECT and RLD domain containing E3 ubiquitin protein ligase 2; minus strand). Cytogenetic location: 15q13.1.
Variant type: single nucleotide variant.
Coding change: c.4352-1G>A on transcript NM_004667.6 (MANE Select); the canonical splice acceptor site of the intron before coding-DNA position 4352, G replaced by A.
Molecular consequence: splice acceptor variant.
Genome position (GRCh38, 1-based): chr15:28,233,562, C>T on the plus strand (G>A on the coding strand, the complement: HERC2 is on the minus strand). VCF-style: chr15-28233562-C-T. GRCh37 (hg19) VCF-style: chr15-28478708-C-T.
Identifiers: ClinVar variation 1690901 (VCV001690901.4), dbSNP rs1279608901, ClinGen allele CA391384624.
Genomic context (GRCh38, chr15:28,233,562, plus strand): 5'-TGTGCTTTACTTGCTCAATACCAAGTGCACCTGCATGAACTAAAGATAATGCCACATGAC[C>T]TGTAAAAAGACATTTAAAAGAAGGGCAGGGATGAATATGTACCTCAGGTTAGTCGAGGAA-3'

ClinVar aggregate classification (germline): Likely pathogenic. Review status: criteria provided, multiple submitters, no conflicts (2 of 4 stars). 2 submissions from 2 submitters: Likely pathogenic (2). Last evaluated 2025-05-14.

Allele frequency attached by ClinVar (database versions not stated): gnomAD exomes below 0.00001 and 0.00001; TOPMed 0.00001; gnomAD 0.00001.
gnomAD v4.1: 5 of 1,613,394 alleles (0.00031%); highest among the groups gnomAD compares: African/African-American, 0.004%; no homozygotes.

Submissions (2):

Dasa
Classification: Likely pathogenic. Last evaluated: 2025-05-14. Review status: criteria provided, single submitter. Criteria: DASA Assertion Criteria. Collection method: clinical testing. Allele origin: germline.
Comment: NM_004667.6(HERC2):c.4352-1G>A affects a canonical splice site and is predicted to disrupt normal RNA splicing. Loss of function is an established disease mechanism for HERC2-associated disorders. Also, this variant is rare in population databases. Based on the currently available evidence, this variant is classified as likely pathogenic.

Laboratorio de Genetica e Diagnostico Molecular, Hospital Israelita Albert Einstein
Classification: Likely pathogenic. Last evaluated: 2020-06-23. Review status: criteria provided, single submitter. Criteria: ACMG Guidelines, 2015. Collection method: clinical testing. Allele origin: germline. Affected: yes.
Comment: ACMG classification criteria: PVS1, PM2